The following is an entry in ClinVar:

ClinVar aggregate classification (germline): Benign/Likely benign. Review status: criteria provided, multiple submitters, no conflicts (2 of 4 stars). 17 submissions from 15 submitters: Benign (8); Likely benign (5). 4 of the submissions do not count toward it. Last evaluated 2026-02-03.

Conditions:
Cardiovascular phenotype. Identifiers: MedGen CN230736.
Arrhythmogenic cardiomyopathy with wooly hair and keratoderma. Also called: Dilated cardiomyopathy with woolly hair and keratoderma; Arrhythmogenic cardiomyopathy with woolly hair and keratoderma; PALMOPLANTAR KERATODERMA WITH LEFT VENTRICULAR CARDIOMYOPATHY AND WOOLLY HAIR; Carvajal syndrome. Identifiers: Orphanet 65282, MedGen C1854063, MONDO:0011581, OMIM 605676.
Arrhythmogenic right ventricular dysplasia 8 (ARVD8). Also called: Arrhythmogenic Right Ventricular Dysplasia/Cardiomyopathy 8; ARRHYTHMOGENIC RIGHT VENTRICULAR DYSPLASIA, FAMILIAL, 8; ARRHYTHMOGENIC RIGHT VENTRICULAR CARDIOMYOPATHY 8. Identifiers: MedGen C1843896, MONDO:0011831, OMIM 607450.
Cardiomyopathy (CMYO). Also called: Cardiomyopathies. Identifiers: Orphanet 167848, MedGen C0878544, MONDO:0004994, HP:0001638. Inheritance: Various modes of inheritance.
Lethal acantholytic epidermolysis bullosa (EBLA). Identifiers: Orphanet 158687, MedGen C1864826, MONDO:0012323, OMIM 609638.
Woolly hair-skin fragility syndrome (WHSF). Identifiers: Orphanet 293165, MedGen C1843292, MONDO:0957307, OMIM 620415.

Allele frequency attached by ClinVar (database versions not stated): gnomAD exomes 0.00092 and 0.00244; ExAC 0.00303; 1000 Genomes Project 0.00819; 1000 Genomes Project 30x 0.00890; gnomAD 0.00942 and 0.01023; TOPMed 0.01091; ESP Exome Variant Server 0.01092.
gnomAD v4.1: 2,828 of 1,613,794 alleles (0.18%); highest among the groups gnomAD compares: African/African-American, 3.3%; 40 homozygotes.

Submissions (17):

Labcorp Genetics (formerly Invitae), Labcorp
Classification: Benign for Arrhythmogenic cardiomyopathy with wooly hair and keratoderma; Arrhythmogenic right ventricular dysplasia 8. Last evaluated: 2026-02-03. Review status: criteria provided, single submitter. Criteria: Invitae Variant Classification Sherloc (09022015). Collection method: clinical testing. Allele origin: germline.

ARUP Laboratories, Molecular Genetics and Genomics, ARUP Laboratories
Classification: Benign. Last evaluated: 2025-04-02. Review status: criteria provided, single submitter. Criteria: ARUP Molecular Germline Variant Investigation Process 2024. Collection method: clinical testing. Allele origin: germline.

Molecular Diagnostic Laboratory for Inherited Cardiovascular Disease, Montreal Heart Institute
Classification: Benign. Last evaluated: 2025-02-17. Review status: criteria provided, single submitter. Criteria: ACMG Guidelines, 2015. Collection method: clinical testing. Allele origin: germline. Affected: no.

Color Diagnostics, LLC DBA Color Health
Classification: Benign for Cardiomyopathy. Last evaluated: 2018-03-16. Review status: criteria provided, single submitter. Criteria: ACMG Guidelines, 2015. Collection method: clinical testing. Allele origin: germline.

Illumina Laboratory Services, Illumina
Classification: Likely benign for Arrhythmogenic cardiomyopathy with wooly hair and keratoderma. Last evaluated: 2017-04-27. Review status: criteria provided, single submitter. Criteria: ICSL Variant Classification Criteria 13 December 2019. Collection method: clinical testing. Allele origin: germline.
Comment: This variant was observed as part of a predisposition screen in an ostensibly healthy population. A literature search was performed for the gene, cDNA change, and amino acid change (where applicable). No publications were found based on this search. Allele frequency data from public databases allowed determination this variant is unlikely to cause disease. Therefore, this variant is classified as likely benign.

Illumina Laboratory Services, Illumina
Classification: Likely benign for Arrhythmogenic right ventricular dysplasia 8. Last evaluated: 2017-04-27. Review status: criteria provided, single submitter. Criteria: ICSL Variant Classification Criteria 13 December 2019. Collection method: clinical testing. Allele origin: germline.
Comment: the same text as in the submission from Illumina Laboratory Services, Illumina above.

Illumina Laboratory Services, Illumina
Classification: Likely benign for Lethal acantholytic epidermolysis bullosa. Last evaluated: 2017-04-27. Review status: criteria provided, single submitter. Criteria: ICSL Variant Classification Criteria 13 December 2019. Collection method: clinical testing. Allele origin: germline.
Comment: the same text as in the submission from Illumina Laboratory Services, Illumina above.

Mayo Clinic Laboratories, Mayo Clinic
Classification: Benign. Last evaluated: 2016-02-17. Review status: criteria provided, single submitter. Criteria: ACMG Guidelines, 2015. Collection method: clinical testing. Allele origin: germline. Observed: 14 variant alleles.

CHEO Genetics Diagnostic Laboratory, Children's Hospital of Eastern Ontario
Classification: Likely benign for Cardiomyopathy. Last evaluated: 2015-11-04. Review status: criteria provided, single submitter. Criteria: ACMG Guidelines, 2015. Collection method: clinical testing. Allele origin: germline. Study: Canadian Open Genetics Repository.

Ambry Genetics
Classification: Benign for Cardiovascular phenotype. Last evaluated: 2015-10-01. Review status: criteria provided, single submitter. Criteria: Ambry Variant Classification Scheme 2023. Collection method: clinical testing. Allele origin: germline.

GeneDx
Classification: Benign. Last evaluated: 2014-01-20. Review status: criteria provided, single submitter. Criteria: GeneDx Variant Classification (06012015). Collection method: clinical testing. Allele origin: germline. Affected: yes.
Comment: This variant is considered likely benign or benign based on one or more of the following criteria: it is a conservative change, it occurs at a poorly conserved position in the protein, it is predicted to be benign by multiple in silico algorithms, and/or has population frequency not consistent with disease.

Laboratory for Molecular Medicine, Mass General Brigham Personalized Medicine
Classification: Benign. Last evaluated: 2012-02-07. Review status: criteria provided, single submitter. Criteria: LMM Criteria. Collection method: clinical testing. Allele origin: germline. Observed: 17 variant alleles.

Breakthrough Genomics
Classification: Likely benign. Review status: criteria provided, single submitter. Criteria: ACMG Guidelines, 2015. Collection method: not provided. Allele origin: germline. Inheritance: Autosomal recessive inheritance. Affected: yes.

Clinical Genetics DNA and cytogenetics Diagnostics Lab, Erasmus MC, Erasmus Medical Center
Classification: Benign. Review status: no assertion criteria provided. Collection method: clinical testing. Allele origin: germline. Affected: yes. Study: VKGL Data-share Consensus. Not counted in ClinVar's aggregate classification.

Clinical Genetics, Academic Medical Center
Classification: Benign. Review status: no assertion criteria provided. Collection method: clinical testing. Allele origin: germline. Affected: yes. Study: VKGL Data-share Consensus. Not counted in ClinVar's aggregate classification.

Diagnostic Laboratory, Department of Genetics, University Medical Center Groningen
Classification: Benign. Review status: no assertion criteria provided. Collection method: clinical testing. Allele origin: germline. Affected: yes. Study: VKGL Data-share Consensus. Not counted in ClinVar's aggregate classification.

Joint Genome Diagnostic Labs from Nijmegen and Maastricht, Radboudumc and MUMC+
Classification: Benign. Review status: no assertion criteria provided. Collection method: clinical testing. Allele origin: germline. Affected: yes. Study: VKGL Data-share Consensus. Not counted in ClinVar's aggregate classification.

NM_004415.4(DSP):c.3510G>A (p.Glu1170=)

Gene: DSP (desmoplakin; plus strand). Cytogenetic location: 6p24.3.
Variant type: single nucleotide variant.
Coding change: c.3510G>A on transcript NM_004415.4 (MANE Select); coding-DNA position 3510, G replaced by A.
Protein change: p.Glu1170=; no amino-acid change (glutamic acid 1170 retained).
Molecular consequence: synonymous variant.
Genome position (GRCh38, 1-based): chr6:7,579,700, G>A. VCF-style: chr6-7579700-G-A. GRCh37 (hg19) VCF-style: chr6-7579933-G-A.
Other names: p.E1170E:GAG>GAA; p.Glu1170=; c.3510G>A (NM_004415.3); c.3510G>A, p.Glu1170= (NM_001008844.3, NM_001319034.2).
Identifiers: ClinVar variation 44893 (VCV000044893.45), dbSNP rs28763964, ClinGen allele CA005826.